The following is an entry in ClinVar:

NM_001009944.3(PKD1):c.12660G>A (p.Glu4220=)

Gene: PKD1 (polycystin 1, transient receptor potential channel interacting; minus strand). Cytogenetic location: 16p13.3.
Variant type: single nucleotide variant.
Coding change: c.12660G>A on transcript NM_001009944.3 (MANE Select); coding-DNA position 12660, G replaced by A.
Protein change: p.Glu4220=; no amino-acid change (glutamic acid 4220 retained).
Molecular consequence: synonymous variant.
Genome position (GRCh38, 1-based): chr16:2,089,979, C>T on the plus strand (G>A on the coding strand, the complement: PKD1 is on the minus strand). VCF-style: chr16-2089979-C-T. GRCh37 (hg19) VCF-style: chr16-2139980-C-T.
Other names: c.12657G>A, p.Glu4219= (NM_000296.4).
Identifiers: ClinVar variation 3037202 (VCV003037202.3), dbSNP rs759787794, ClinGen allele CA7828509.

ClinVar aggregate classification (germline): Likely benign. Review status: criteria provided, single submitter (1 of 4 stars). 2 submissions from 2 submitters: Likely benign (1). 1 of the submissions does not count toward it. Last evaluated 2021-09-01.

Conditions:
PKD1-related disorder. Also called: PKD1-related condition.

Allele frequency attached by ClinVar (database versions not stated): gnomAD 0.00001; TOPMed 0.00001; gnomAD exomes 0.00003; ExAC 0.00005.
gnomAD v4.1: 17 of 1,611,896 alleles (0.0011%); highest among the groups gnomAD compares: Admixed American, 0.025%; no homozygotes.

Submissions (2):

Blueprint Genetics
Classification: Likely benign. Last evaluated: 2021-09-01. Review status: criteria provided, single submitter. Criteria: ACMG Guidelines, 2015. Collection method: clinical testing. Allele origin: germline.

PreventionGenetics, part of Exact Sciences
Classification: Likely benign for PKD1-related condition. Last evaluated: 2019-05-13. Review status: no assertion criteria provided. Collection method: clinical testing. Allele origin: germline. Not counted in ClinVar's aggregate classification.
Comment: This variant is classified as likely benign based on ACMG/AMP sequence variant interpretation guidelines (Richards et al. 2015 PMID: 25741868, with internal and published modifications).